The following is an entry in ClinVar:

ClinVar aggregate classification (germline): Uncertain significance. Review status: criteria provided, single submitter (1 of 4 stars). 2 submissions from 2 submitters: Uncertain significance (1). 1 of the submissions does not count toward it. Last evaluated 2021-08-27.

Conditions:
Glycine encephalopathy. Also called: Nonketotic hyperglycinemia; Non-ketotic hyperglycinemia. Identifiers: Orphanet 407, MedGen C0751748, MONDO:0011612, HP:0008288.

Allele frequency attached by ClinVar (database versions not stated): gnomAD exomes below 0.00001 and 0.00001; ExAC 0.00001; gnomAD 0.00001 and 0.00002; TOPMed 0.00003.
gnomAD v4.1: 8 of 1,613,758 alleles (0.0005%); highest among the groups gnomAD compares: Middle Eastern, 0.017%; no homozygotes.

Submissions (2):

Labcorp Genetics (formerly Invitae), Labcorp
Classification: Uncertain significance for Glycine encephalopathy. Last evaluated: 2021-08-27. Review status: criteria provided, single submitter. Criteria: Invitae Variant Classification Sherloc (09022015). Collection method: clinical testing. Allele origin: germline.
Comment: This sequence change replaces glutamic acid with alanine at codon 979 of the GLDC protein (p.Glu979Ala). The glutamic acid residue is moderately conserved and there is a moderate physicochemical difference between glutamic acid and alanine. This variant is present in population databases (rs550514750, ExAC 0.01%). This variant has not been reported in the literature in individuals affected with GLDC-related conditions. Algorithms developed to predict the effect of missense changes on protein structure and function (SIFT, PolyPhen-2, Align-GVGD) all suggest that this variant is likely to be tolerated. In summary, the available evidence is currently insufficient to determine the role of this variant in disease. Therefore, it has been classified as a Variant of Uncertain Significance.

Natera, Inc.
Classification: Uncertain significance for Non-ketotic hyperglycinemia. Last evaluated: 2021-01-20. Review status: no assertion criteria provided. Collection method: clinical testing. Allele origin: germline. Not counted in ClinVar's aggregate classification.

NM_000170.3(GLDC):c.2936A>C (p.Glu979Ala)

Gene: GLDC (glycine decarboxylase; minus strand). Cytogenetic location: 9p24.1.
Variant type: single nucleotide variant.
Coding change: c.2936A>C on transcript NM_000170.3 (MANE Select); coding-DNA position 2936, A replaced by C.
Protein change: p.Glu979Ala; replaces glutamic acid 979 with alanine.
Molecular consequence: missense variant.
Genome position (GRCh38, 1-based): chr9:6,533,144, T>G on the plus strand (A>C on the coding strand, the complement: GLDC is on the minus strand). VCF-style: chr9-6533144-T-G. GRCh37 (hg19) VCF-style: chr9-6533144-T-G.
Other names: short protein forms E979A.
Identifiers: ClinVar variation 462881 (VCV000462881.11), dbSNP rs550514750, ClinGen allele CA4979993.